The following is an entry in ClinVar:

ClinVar aggregate classification (germline): Uncertain significance (1 of 4 stars; one submission).

gnomAD v4.1: 6 of 1,613,836 alleles (0.00037%); highest among the groups gnomAD compares: South Asian, 0.0033%; no homozygotes.

Submission:

CeGaT Center for Human Genetics Tuebingen
Classification: Uncertain significance. Last evaluated: 2025-11-01. Review status: criteria provided, single submitter. Criteria: CeGaT Center For Human Genetics Tuebingen Variant Classification Criteria Version 2. Collection method: clinical testing. Allele origin: germline. Affected: yes. Observed: 1 variant allele.
Comment: TTN: PM2, BP4

NM_001267550.2(TTN):c.93995A>T (p.Glu31332Val)

Genes: TTN (titin; minus strand), TTN-AS1 (TTN antisense RNA 1; plus strand). Cytogenetic location: 2q31.2.
Variant type: single nucleotide variant.
Coding change: c.93995A>T on transcript NM_001267550.2 (MANE Select); coding-DNA position 93995, A replaced by T.
Protein change: p.Glu31332Val; replaces glutamic acid 31332 with valine.
Molecular consequence: missense variant.
Genome position (GRCh38, 1-based): chr2:178,547,631, T>A on the plus strand (A>T on the coding strand, the complement: TTN is on the minus strand). VCF-style: chr2-178547631-T-A. GRCh37 (hg19) VCF-style: chr2-179412358-T-A.
Other names: c.67175A>T, p.Glu22392Val (NM_133432.3); c.67376A>T, p.Glu22459Val (NM_133437.4); c.89072A>T, p.Glu29691Val (NM_001256850.1); c.66800A>T, p.Glu22267Val (NM_003319.4); c.86291A>T, p.Glu28764Val (NM_133378.4); short protein forms E22267V, E22392V, E22459V, E28764V, E29691V, E31332V.
Identifiers: ClinVar variation 4534050 (VCV004534050.6).